The following is an entry in ClinVar:

ClinVar aggregate classification (germline): Pathogenic/Likely pathogenic. Review status: criteria provided, multiple submitters, no conflicts (2 of 4 stars). 5 submissions from 5 submitters: Pathogenic (2); Likely pathogenic (2). 1 of the submissions does not count toward it. Last evaluated 2025-12-26.

Conditions:
Cystic fibrosis (CF). Also called: MUCOVISCIDOSIS. Identifiers: Orphanet 586, MedGen C0010674, MONDO:0009061, OMIM 219700. Disease mechanism: loss of function.
CFTR-related disorder (CFTR-RD). Also called: CFTR-related disorders; CFTR-related condition. Identifiers: MedGen C5924204, MONDO:7770004.

gnomAD v4.1: 1 of 1,609,602 alleles (0.000062%); highest among the groups gnomAD compares: Admixed American, 0.0017%; no homozygotes.

Submissions (5):

Labcorp Genetics (formerly Invitae), Labcorp
Classification: Pathogenic for Cystic fibrosis. Last evaluated: 2025-12-26. Review status: criteria provided, single submitter. Criteria: Invitae Variant Classification Sherloc (09022015). Collection method: clinical testing. Allele origin: germline.
Comment: This sequence change falls in intron 7 of the CFTR gene. It does not directly change the encoded amino acid sequence of the CFTR protein. It affects a nucleotide within the consensus splice site. This variant is not present in population databases (gnomAD no frequency). This variant has been observed in individual(s) with congenital bilateral absence of the vas deferens (CBAVD) and/or cystic fibrosis (PMID: 9536098, 15744829, 17576681, 30811104). In at least one individual the data is consistent with being in trans (on the opposite chromosome) from a pathogenic variant. This variant is also known as 1001+3A>T. ClinVar contains an entry for this variant (Variation ID: 550999). Variants that disrupt the consensus splice site are a relatively common cause of aberrant splicing (PMID: 17576681, 9536098). Algorithms developed to predict the effect of sequence changes on RNA splicing suggest that this variant may disrupt the consensus splice site. For these reasons, this variant has been classified as Pathogenic.

Natera, Inc.
Classification: Likely pathogenic for CFTR-related disorders. Last evaluated: 2025-07-08. Review status: criteria provided, single submitter. Criteria: Natera Variant Classification Schema (03/2026). Collection method: clinical testing. Allele origin: germline.
Comment: The c.869+3A>T variant in CFTR is an intronic variant located outside the canonical splice sites. This variant is rare in the general population with a frequency below the threshold expected for the associated phenotype(s). This variant has been observed in one or more individuals affected with the associated recessive disease, as either homozygous or compound heterozygous with a second variant (PMID: 16931591, 15744829, 37477516). Computational prediction algorithms indicate this variant is likely to affect gene or protein function. Given the available evidence, this variant is classified as Likely Pathogenic.

Women's Health and Genetics/Laboratory Corporation of America, LabCorp
Classification: Pathogenic for Cystic fibrosis. Last evaluated: 2023-12-05. Review status: criteria provided, single submitter. Criteria: LabCorp Variant Classification Summary - May 2015. Collection method: clinical testing. Allele origin: germline.
Comment: Variant summary: CFTR c.869+3A>T alters a conserved nucleotide located close to a canonical splice site and therefore could affect mRNA splicing, leading to a significantly altered protein sequence. Several computational tools predict a significant impact on normal splicing: Three predict the variant abolishes a 5' splicing donor site. At least one publication reported experimental evidence, and demonstrated using patient derived mRNA that this variant affects mRNA splicing, resulting in the skipping of exon 7 (Schrijver_2005), which is predicted to result in an in-frame deletion of 42 amino acids in the first transmembrane domain (IPR011527) of the CFTR protein. The variant was absent in 248026 control chromosomes (gnomAD). The variant, c.869+3A>T (aka. 1001+3A>T), has been reported in the literature in compound heterozygous individuals affected with classic Cystic Fibrosis (CF), who carried a CF-causing pathogenic variant in trans (e.g. Schrijver_2005, Faa_2006). In addition, the variant was reported in a patient with congenital absence of vas deferens, who also carried a 5T allele (Yuan_2019). The following publications have been ascertained in the context of this evaluation (PMID: 15744829, 16931591, 30811104). Three submitters have cited clinical-significance assessments for this variant to ClinVar after 2014. All submitters classified the variant as pathogenic/likely pathogenic. Based on the evidence outlined above, the variant was classified as pathogenic.

Ambry Genetics
Classification: Likely pathogenic for Cystic fibrosis. Last evaluated: 2023-01-13. Review status: criteria provided, single submitter. Criteria: Ambry Variant Classification Scheme 2023. Collection method: clinical testing. Allele origin: germline.
Comment: The c.869+3A>T intronic variant results from an A to T substitution 3 nucleotides after coding exon 7 in the CFTR gene. This variant has been identified in individuals diagnosed with classic cystic fibrosis, who had a pathogenic variant on the other chromosome (Schrijver I et al. Am J Med Genet A, 2005 Feb;133A:103-5; Fa&agrave; V et al. J Mol Diagn, 2006 Sep;8:499-503). This nucleotide position is highly conserved in available vertebrate species. In silico splice site analysis predicts that this alteration will weaken the native splice donor site. RNA studies have demonstrated that this alteration results in skipping of exon 7 (Schrijver I et al. Am J Med Genet A, 2005 Feb;133A:103-5). This variant is considered to be rare based on population cohorts in the Genome Aggregation Database (gnomAD). Based on the majority of available evidence to date, this variant is likely to be pathogenic.

Counsyl
Classification: Likely pathogenic for Cystic fibrosis. Last evaluated: 2017-03-08. Review status: no assertion criteria provided. Collection method: clinical testing. Allele origin: unknown. Not counted in ClinVar's aggregate classification.

Literature cited by the submitters: PubMed 9536098 (cited by Labcorp Genetics (formerly Invitae), Labcorp); PubMed 15744829 (cited by 5 submitters); PubMed 17576681 (cited by Labcorp Genetics (formerly Invitae), Labcorp); PubMed 30811104 (cited by 3 submitters); PubMed 16931591 (cited by 4 submitters); PubMed 37477516 (cited by Natera, Inc.); PubMed 32777524 (cited by Ambry Genetics).

NM_000492.4(CFTR):c.869+3A>T

Gene: CFTR (CF transmembrane conductance regulator; plus strand). Cytogenetic location: 7q31.2.
Variant type: single nucleotide variant.
Coding change: c.869+3A>T on transcript NM_000492.4 (MANE Select); 3 bases into the intron after coding-DNA position 869, A replaced by T.
Molecular consequence: intron variant.
Genome position (GRCh38, 1-based): chr7:117,536,676, A>T. VCF-style: chr7-117536676-A-T. GRCh37 (hg19) VCF-style: chr7-117176730-A-T.
Identifiers: ClinVar variation 550999 (VCV000550999.12), dbSNP rs1554380828, ClinGen allele CA658821276.